The following is an entry in ClinVar:

NM_003680.4(YARS1):c.1012A>G (p.Ser338Gly)

Gene: YARS1 (tyrosyl-tRNA synthetase 1; minus strand). Cytogenetic location: 1p35.1.
Variant type: single nucleotide variant.
Coding change: c.1012A>G on transcript NM_003680.4 (MANE Select); coding-DNA position 1012, A replaced by G.
Protein change: p.Ser338Gly; replaces serine 338 with glycine.
Molecular consequence: missense variant.
Genome position (GRCh38, 1-based): chr1:32,782,434, T>C on the plus strand (A>G on the coding strand, the complement: YARS1 is on the minus strand). VCF-style: chr1-32782434-T-C. GRCh37 (hg19) VCF-style: chr1-33248035-T-C.
Other names: short protein forms S338G.
Identifiers: ClinVar variation 571694 (VCV000571694.14), dbSNP rs763921769, ClinGen allele CA745029.

ClinVar aggregate classification (germline): Conflicting classifications of pathogenicity. Review status: criteria provided, conflicting classifications (1 of 4 stars). 4 submissions from 4 submitters: Uncertain significance (3); Likely benign (1). Last evaluated 2026-07-20.

Conditions:
YARS1-related disorder. Also called: YARS1-related condition.
Inborn genetic diseases. Identifiers: MedGen C0950123, MeSH D030342.
Charcot-Marie-Tooth disease dominant intermediate C (CMTDIC). Also called: CHARCOT-MARIE-TOOTH NEUROPATHY, DOMINANT INTERMEDIATE C. Identifiers: Orphanet 100045, MedGen C1842237, MONDO:0012012, OMIM 608323.

Allele frequency attached by ClinVar (database versions not stated): gnomAD 0.00001 and 0.00002; gnomAD exomes 0.00001 and 0.00004; ExAC 0.00004; TOPMed 0.00004.
gnomAD v4.1: 20 of 1,613,932 alleles (0.0012%); highest among the groups gnomAD compares: Middle Eastern, 0.016%; no homozygotes.

Submissions (4):

PreventionGenetics, part of Exact Sciences
Classification: Uncertain significance for YARS1-related condition. Last evaluated: 2026-07-20. Review status: criteria provided, single submitter. Criteria: ACMG Guidelines, 2015. Collection method: clinical testing. Allele origin: germline.
Comment: The YARS1 c.1012A>G variant is predicted to result in the amino acid substitution p.Ser338Gly. To our knowledge, this variant has not been reported in the literature or in a large population database (gnomAD), indicating this variant is rare. At this time, the clinical significance of this variant is uncertain due to the absence of conclusive functional and genetic evidence.

Labcorp Genetics (formerly Invitae), Labcorp
Classification: Uncertain significance for Charcot-Marie-Tooth disease dominant intermediate C. Last evaluated: 2025-02-15. Review status: criteria provided, single submitter. Criteria: Invitae Variant Classification Sherloc (09022015). Collection method: clinical testing. Allele origin: germline.
Comment: This sequence change replaces serine, which is neutral and polar, with glycine, which is neutral and non-polar, at codon 338 of the YARS protein (p.Ser338Gly). This variant is present in population databases (rs763921769, gnomAD 0.006%). This variant has not been reported in the literature in individuals affected with YARS-related conditions. ClinVar contains an entry for this variant (Variation ID: 571694). Invitae Evidence Modeling of protein sequence and biophysical properties (such as structural, functional, and spatial information, amino acid conservation, physicochemical variation, residue mobility, and thermodynamic stability) indicates that this missense variant is not expected to disrupt YARS protein function with a negative predictive value of 80%. In summary, the available evidence is currently insufficient to determine the role of this variant in disease. Therefore, it has been classified as a Variant of Uncertain Significance.

GeneDx
Classification: Uncertain significance. Last evaluated: 2024-04-24. Review status: criteria provided, single submitter. Criteria: GeneDx Variant Classification Process June 2021. Collection method: clinical testing. Allele origin: germline. Affected: yes.
Comment: In silico analysis indicates that this missense variant does not alter protein structure/function; Has not been previously published as pathogenic or benign to our knowledge; This variant is associated with the following publications: (PMID: 16429158)

Ambry Genetics
Classification: Likely benign for Inborn genetic diseases. Last evaluated: 2020-10-22. Review status: criteria provided, single submitter. Criteria: Ambry Variant Classification Scheme 2023. Collection method: clinical testing. Allele origin: germline.